The following is an entry in ClinVar:

NM_144687.4(NLRP12):c.1190T>C (p.Leu397Pro)

Gene: NLRP12 (NLR family pyrin domain containing 12; minus strand). Cytogenetic location: 19q13.42.
Variant type: single nucleotide variant.
Coding change: c.1190T>C on transcript NM_144687.4 (MANE Select); coding-DNA position 1190, T replaced by C.
Protein change: p.Leu397Pro; replaces leucine 397 with proline.
Molecular consequence: missense variant.
Genome position (GRCh38, 1-based): chr19:53,810,469, A>G on the plus strand (T>C on the coding strand, the complement: NLRP12 is on the minus strand). VCF-style: chr19-53810469-A-G. GRCh37 (hg19) VCF-style: chr19-54313723-A-G.
Other names: c.1190T>C, p.Leu397Pro (NM_001277126.2, NM_001277129.1); short protein forms L397P.
Identifiers: ClinVar variation 1974215 (VCV001974215.5), dbSNP rs777772719, ClinGen allele CA9639504.
Genomic context (GRCh38, chr19:53,810,469, plus strand): 5'-TGCTGCTGGAGGCAGGTACACACCACCCAGCACACCAGGGGGACGAAGCACATGGTGAAG[A>G]GAGGCTCGTTGTCCCTCACGTAATTGAAGACTTGGCCCGCCTGCTCTGCATTGTGGAAAT-3'
Protein context (NP_653288.1, residues 387-407): VFNYVRDNEP[Leu397Pro]FTMCFVPLVC

ClinVar aggregate classification (germline): Uncertain significance (1 of 4 stars; one submission).

Conditions:
Familial cold autoinflammatory syndrome 2 (FCAS2). Identifiers: Orphanet 247868, MedGen C2673198, MONDO:0012724, OMIM 611762.

Allele frequency attached by ClinVar (database versions not stated): gnomAD exomes below 0.00001; ExAC 0.00001.
gnomAD v4.1: 2 of 1,614,134 alleles (0.00012%); highest among the groups gnomAD compares: Non-Finnish European, 0.000085%; no homozygotes.

Submission:

Labcorp Genetics (formerly Invitae), Labcorp
Classification: Uncertain significance for Familial cold autoinflammatory syndrome 2. Last evaluated: 2025-11-24. Review status: criteria provided, single submitter. Criteria: Invitae Variant Classification Sherloc (09022015). Collection method: clinical testing. Allele origin: germline.
Comment: This sequence change replaces leucine, which is neutral and non-polar, with proline, which is neutral and non-polar, at codon 397 of the NLRP12 protein (p.Leu397Pro). This variant is present in population databases (rs777772719, gnomAD 0.0009%). This variant has not been reported in the literature in individuals affected with NLRP12-related conditions. ClinVar contains an entry for this variant (Variation ID: 1974215). Invitae Evidence Modeling of protein sequence and biophysical properties (such as structural, functional, and spatial information, amino acid conservation, physicochemical variation, residue mobility, and thermodynamic stability) indicates that this missense variant is expected to disrupt NLRP12 protein function with a positive predictive value of 80%. In summary, the available evidence is currently insufficient to determine the role of this variant in disease. Therefore, it has been classified as a Variant of Uncertain Significance.